The following is an entry in ClinVar:

NM_030653.4(DDX11):c.*158C>T

Gene: DDX11 (DEAD/H-box helicase 11; plus strand). Cytogenetic location: 12p11.21.
Variant type: single nucleotide variant.
Coding change: c.*158C>T on transcript NM_030653.4 (MANE Select); 158 bases downstream of the stop codon, C replaced by T.
Molecular consequence: 3 prime UTR variant. On other transcripts: synonymous variant (6), non-coding transcript variant (4).
Genome position (GRCh38, 1-based): chr12:31,103,994, C>T. VCF-style: chr12-31103994-C-T. GRCh37 (hg19) VCF-style: chr12-31256928-C-T.
Other names: c.2874C>T, p.Gly958= (NM_001257144.2, NM_001413695.1, NM_001413696.1 and 1 more transcripts); c.*158C>T (NM_001257145.2, NM_001413692.1, NM_001413693.1 and 9 more transcripts); c.2796C>T, p.Gly932= (NM_001413699.1); c.2013C>T, p.Gly671= (NM_001413704.1).
Identifiers: ClinVar variation 4821823 (VCV004821823.4).

ClinVar aggregate classification (germline): Likely benign (1 of 4 stars; one submission).

gnomAD v4.1: 79 of 1,561,412 alleles (0.0051%); highest among the groups gnomAD compares: African/African-American, 0.09%; no homozygotes.

Submission:

CeGaT Center for Human Genetics Tuebingen
Classification: Likely benign. Last evaluated: 2026-06-01. Review status: criteria provided, single submitter. Criteria: CeGaT Center For Human Genetics Tuebingen Variant Classification Criteria Version 2. Collection method: clinical testing. Allele origin: germline. Affected: yes. Observed: 2 variant alleles.
Comment: DDX11: BP4, BP7